The following is an entry in ClinVar:

NM_004415.4(DSP):c.7275C>G (p.Thr2425=)

Gene: DSP (desmoplakin; plus strand). Cytogenetic location: 6p24.3.
Variant type: single nucleotide variant.
Coding change: c.7275C>G on transcript NM_004415.4 (MANE Select); coding-DNA position 7275, C replaced by G.
Protein change: p.Thr2425=; no amino-acid change (threonine 2425 retained).
Molecular consequence: synonymous variant.
Genome position (GRCh38, 1-based): chr6:7,584,537, C>G. VCF-style: chr6-7584537-C-G. GRCh37 (hg19) VCF-style: chr6-7584770-C-G.
Other names: c.5478C>G, p.Thr1826= (NM_001008844.3); c.5946C>G, p.Thr1982= (NM_001319034.2).
Identifiers: ClinVar variation 163286 (VCV000163286.4), dbSNP rs727503006, ClinGen allele CA007175.

ClinVar aggregate classification (germline): Likely benign (1 of 4 stars; one submission).

Submission:

Laboratory for Molecular Medicine, Mass General Brigham Personalized Medicine
Classification: Likely benign. Last evaluated: 2014-08-01. Review status: criteria provided, single submitter. Criteria: LMM Criteria. Collection method: clinical testing. Allele origin: germline. Observed: 1 variant allele.
Comment: Thr2425Thr in exon 24 of DSP: This variant is not expected to have clinical sign ificance because it does not alter an amino acid residue and is not located with in the splice consensus sequence